The following is an entry in ClinVar:

NM_006415.4(SPTLC1):c.536C>T (p.Ser179Phe)

Gene: SPTLC1 (serine palmitoyltransferase long chain base subunit 1; minus strand). Cytogenetic location: 9q22.31.
Variant type: single nucleotide variant.
Coding change: c.536C>T on transcript NM_006415.4 (MANE Select); coding-DNA position 536, C replaced by T.
Protein change: p.Ser179Phe; replaces serine 179 with phenylalanine.
Molecular consequence: missense variant.
Genome position (GRCh38, 1-based): chr9:92,067,990, G>A on the plus strand (C>T on the coding strand, the complement: SPTLC1 is on the minus strand). VCF-style: chr9-92067990-G-A. GRCh37 (hg19) VCF-style: chr9-94830272-G-A.
Other names: c.536C>T, p.Ser179Phe (NM_001281303.2); c.170C>T, p.Ser57Phe (NM_001368272.1); c.71C>T, p.Ser24Phe (NM_001368273.1); short protein forms S179F, S24F, S57F.
Identifiers: ClinVar variation 4527201 (VCV004527201.1).

ClinVar aggregate classification (germline): Uncertain significance (1 of 4 stars; one submission).

Submission:

GeneDx
Classification: Uncertain significance. Last evaluated: 2025-04-22. Review status: criteria provided, single submitter. Criteria: GeneDx Variant Classification Process June 2021. Collection method: clinical testing. Allele origin: germline. Affected: yes.
Comment: Not observed at significant frequency in large population cohorts (gnomAD); In silico analysis supports that this missense variant has a deleterious effect on protein structure/function; Has not been previously published as pathogenic or benign to our knowledge